The following is an entry in ClinVar:

NM_015215.4(CAMTA1):c.1602C>T (p.Thr534=)

Gene: CAMTA1 (calmodulin binding transcription activator 1; plus strand). Cytogenetic location: 1p36.23.
Variant type: single nucleotide variant.
Coding change: c.1602C>T on transcript NM_015215.4 (MANE Select); coding-DNA position 1602, C replaced by T.
Protein change: p.Thr534=; no amino-acid change (threonine 534 retained).
Molecular consequence: synonymous variant.
Genome position (GRCh38, 1-based): chr1:7,664,149, C>T. VCF-style: chr1-7664149-C-T. GRCh37 (hg19) VCF-style: chr1-7724209-C-T.
Other names: c.1512C>T, p.Thr504= (NM_001349608.2, NM_001349612.2); c.1602C>T, p.Thr534= (NM_001349609.2, NM_001349610.2).
Identifiers: ClinVar variation 739734 (VCV000739734.21), dbSNP rs143101821, ClinGen allele CA566471.

ClinVar aggregate classification (germline): Benign/Likely benign. Review status: criteria provided, multiple submitters, no conflicts (2 of 4 stars). 2 submissions from 2 submitters: Benign (1); Likely benign (1). Last evaluated 2026-08-01.

Allele frequency attached by ClinVar (database versions not stated): gnomAD 0.00011 and 0.00008; gnomAD exomes 0.00016 and 0.00030; 1000 Genomes Project 0.00040; ExAC 0.00042; 1000 Genomes Project 30x 0.00047; ESP Exome Variant Server 0.00008; TOPMed 0.00008.
gnomAD v4.1: 251 of 1,613,154 alleles (0.016%); highest among the groups gnomAD compares: South Asian, 0.17%; 1 homozygote.

Submissions (2):

CeGaT Center for Human Genetics Tuebingen
Classification: Likely benign. Last evaluated: 2026-08-01. Review status: criteria provided, single submitter. Criteria: CeGaT Center For Human Genetics Tuebingen Variant Classification Criteria Version 2. Collection method: clinical testing. Allele origin: germline. Affected: yes. Observed: 2 variant alleles.
Comment: CAMTA1: BP4, BP7, BS1

Labcorp Genetics (formerly Invitae), Labcorp
Classification: Benign. Last evaluated: 2022-12-06. Review status: criteria provided, single submitter. Criteria: Invitae Variant Classification Sherloc (09022015). Collection method: clinical testing. Allele origin: germline.